The following is an entry in ClinVar:

ClinVar aggregate classification (germline): Benign/Likely benign. Review status: criteria provided, multiple submitters, no conflicts (2 of 4 stars). 3 submissions from 3 submitters: Benign (1); Likely benign (2). Last evaluated 2025-03-24.

Allele frequency attached by ClinVar (database versions not stated): TOPMed 0.00002; gnomAD 0.00003 and 0.00008; gnomAD exomes 0.00011 and 0.00033; ExAC 0.00036; 1000 Genomes Project 0.00040; 1000 Genomes Project 30x 0.00047.
gnomAD v4.1: 189 of 1,614,072 alleles (0.012%); highest among the groups gnomAD compares: South Asian, 0.17%; 1 homozygote.

Submissions (3):

Labcorp Genetics (formerly Invitae), Labcorp
Classification: Benign. Last evaluated: 2025-03-24. Review status: criteria provided, single submitter. Criteria: Invitae Variant Classification Sherloc (09022015). Collection method: clinical testing. Allele origin: germline.

Blueprint Genetics
Classification: Likely benign. Last evaluated: 2024-08-02. Review status: criteria provided, single submitter. Criteria: ACMG Guidelines, 2015. Collection method: clinical testing. Allele origin: germline.

CeGaT Center for Human Genetics Tuebingen
Classification: Likely benign. Last evaluated: 2022-12-01. Review status: criteria provided, single submitter. Criteria: CeGaT Center For Human Genetics Tuebingen Variant Classification Criteria Version 2. Collection method: clinical testing. Allele origin: germline. Affected: yes. Observed: 1 variant allele.
Comment: KIAA0753: BP4, BP7

NM_014804.3(KIAA0753):c.1506G>A (p.Pro502=)

Gene: KIAA0753 (KIAA0753; minus strand). Cytogenetic location: 17p13.1.
Variant type: single nucleotide variant.
Coding change: c.1506G>A on transcript NM_014804.3 (MANE Select); coding-DNA position 1506, G replaced by A.
Protein change: p.Pro502=; no amino-acid change (proline 502 retained).
Molecular consequence: synonymous variant.
Genome position (GRCh38, 1-based): chr17:6,611,958, C>T on the plus strand (G>A on the coding strand, the complement: KIAA0753 is on the minus strand). VCF-style: chr17-6611958-C-T. GRCh37 (hg19) VCF-style: chr17-6515278-C-T.
Other names: c.609G>A, p.Pro203= (NM_001351225.2).
Identifiers: ClinVar variation 756235 (VCV000756235.32), dbSNP rs540414385, ClinGen allele CA8330464.
Genomic context (GRCh38, chr17:6,611,958, plus strand): 5'-AAGAGAGGAATGATTTCATACTTGCTGTCTTGCTGGCGCCAGAGTATCTTTCTTCCTAAA[C>T]GGCACATTCTCAGTCACAGGCTTCTTTTTCCCTGCTTTTGTTTTTGCCACGGCTAACACC-3'
Protein context (NP_055619.2, residues 492-512): GKKKPVTENV[Pro502=]FRKKDTLAPA